The following is an entry in ClinVar:

NM_004655.4(AXIN2):c.1976G>A (p.Arg659Gln)

Gene: AXIN2 (axin 2; minus strand). Cytogenetic location: 17q24.1.
Variant type: single nucleotide variant.
Coding change: c.1976G>A on transcript NM_004655.4 (MANE Select); coding-DNA position 1976, G replaced by A.
Protein change: p.Arg659Gln; replaces arginine 659 with glutamine.
Molecular consequence: missense variant.
Genome position (GRCh38, 1-based): chr17:65,536,485, C>T on the plus strand (G>A on the coding strand, the complement: AXIN2 is on the minus strand). VCF-style: chr17-65536485-C-T. GRCh37 (hg19) VCF-style: chr17-63532603-C-T.
Other names: p.R659Q:CGG>CAG; c.1781G>A, p.Arg594Gln (NM_001363813.1); c.1976G>A (LRG_296t1); short protein forms R659Q, R594Q.
Identifiers: ClinVar variation 182010 (VCV000182010.43), dbSNP rs730881400, ClinGen allele CA298398.

ClinVar aggregate classification (germline): Conflicting classifications of pathogenicity. Review status: criteria provided, conflicting classifications (1 of 4 stars). 8 submissions from 8 submitters: Uncertain significance (7); Likely benign (1). Last evaluated 2026-01-26.

Conditions:
Colorectal cancer. Also called: Malignant Colorectal Neoplasm; Colorectal cancer, somatic. Identifiers: MedGen C0346629, MONDO:0005575, OMIM 114500.
Hereditary cancer-predisposing syndrome. Also called: Tumor predisposition; Neoplastic Syndromes, Hereditary; Hereditary Cancer Syndrome; Hereditary neoplastic syndrome. Identifiers: Orphanet 140162, MedGen C0027672, MeSH D009386, MONDO:0015356.
Oligodontia-cancer predisposition syndrome. Also called: TOOTH AGENESIS-COLORECTAL CANCER SYNDROME. Identifiers: Orphanet 300576, MedGen C1837750, MONDO:0012075, OMIM 608615. Disease mechanism: loss of function.

Allele frequency attached by ClinVar (database versions not stated): ExAC 0.00001; gnomAD 0.00002; gnomAD exomes 0.00002; TOPMed 0.00003.
gnomAD v4.1: 42 of 1,613,670 alleles (0.0026%); highest among the groups gnomAD compares: African/African-American, 0.0053%; no homozygotes.

Submissions (8):

Labcorp Genetics (formerly Invitae), Labcorp
Classification: Uncertain significance for Oligodontia-cancer predisposition syndrome. Last evaluated: 2026-01-26. Review status: criteria provided, single submitter. Criteria: Invitae Variant Classification Sherloc (09022015). Collection method: clinical testing. Allele origin: germline.
Comment: This sequence change replaces arginine, which is basic and polar, with glutamine, which is neutral and polar, at codon 659 of the AXIN2 protein (p.Arg659Gln). This variant is present in population databases (rs730881400, gnomAD 0.004%). This variant has not been reported in the literature in individuals affected with AXIN2-related conditions. ClinVar contains an entry for this variant (Variation ID: 182010). Invitae Evidence Modeling of protein sequence and biophysical properties (such as structural, functional, and spatial information, amino acid conservation, physicochemical variation, residue mobility, and thermodynamic stability) indicates that this missense variant is not expected to disrupt AXIN2 protein function with a negative predictive value of 80%. In summary, the available evidence is currently insufficient to determine the role of this variant in disease. Therefore, it has been classified as a Variant of Uncertain Significance.

Center for Genomic Medicine, Rigshospitalet, Copenhagen University Hospital
Classification: Uncertain significance. Last evaluated: 2025-03-04. Review status: criteria provided, single submitter. Criteria: ACMG Guidelines, 2015. Collection method: clinical testing. Allele origin: germline.

Ambry Genetics
Classification: Uncertain significance for Hereditary cancer-predisposing syndrome. Last evaluated: 2024-12-20. Review status: criteria provided, single submitter. Criteria: Ambry Variant Classification Scheme 2023. Collection method: clinical testing. Allele origin: germline.
Comment: The p.R659Q variant (also known as c.1976G>A), located in coding exon 7 of the AXIN2 gene, results from a G to A substitution at nucleotide position 1976. The arginine at codon 659 is replaced by glutamine, an amino acid with highly similar properties. This amino acid position is well conserved in available vertebrate species. In addition, the in silico prediction for this alteration is inconclusive. Since supporting evidence is limited at this time, the clinical significance of this alteration remains unclear.

Baylor Genetics
Classification: Uncertain significance for Colorectal cancer. Last evaluated: 2024-01-21. Review status: criteria provided, single submitter. Criteria: ACMG Guidelines, 2015. Collection method: clinical testing. Allele origin: unknown.

CeGaT Center for Human Genetics Tuebingen
Classification: Likely benign. Last evaluated: 2024-01-01. Review status: criteria provided, single submitter. Criteria: CeGaT Center For Human Genetics Tuebingen Variant Classification Criteria Version 2. Collection method: clinical testing. Allele origin: germline. Affected: yes. Observed: 1 variant allele.
Comment: AXIN2: BP1, BP4

GeneDx
Classification: Uncertain significance. Last evaluated: 2022-12-07. Review status: criteria provided, single submitter. Criteria: GeneDx Variant Classification Process June 2021. Collection method: clinical testing. Allele origin: germline. Affected: yes.
Comment: In silico analysis supports that this missense variant does not alter protein structure/function; Not observed at a significant frequency in large population cohorts (gnomAD); Has not been previously published as pathogenic or benign to our knowledge; This variant is associated with the following publications: (PMID: 21294210, 28729728, 15735151)

Genetic Services Laboratory, University of Chicago
Classification: Uncertain significance. Last evaluated: 2021-10-25. Review status: criteria provided, single submitter. Criteria: ACMG Guidelines, 2015. Collection method: clinical testing. Allele origin: germline. Affected: no.
Comment: DNA sequence analysis of the AXIN2 gene demonstrated a sequence change, c.1976G>A, in exon 8 that results in an amino acid change, p.Arg659Gln. This sequence change does not appear to have been previously described in individuals with AXIN2-related disorders. This sequence change has been described in the gnomAD database with a frequency of 0.0037% in the non-Finnish subpopulation (dbSNP rs730881400). The p.Arg659Gln change affects a moderately conserved amino acid residue located in a domain of the AXIN2 protein that is not known to be functional. In-silico pathogenicity prediction tools (SIFT, PolyPhen2, Align GVGD, REVEL) provide contradictory results for the p.Arg659Gln substitution. Due to insufficient evidence and the lack of functional studies, the clinical significance of the p.Arg659Gln change remains unknown at this time.

Sema4
Classification: Uncertain significance for Hereditary cancer-predisposing syndrome. Last evaluated: 2021-10-22. Review status: criteria provided, single submitter. Criteria: Sema4 Curation Guidelines. Collection method: curation. Allele origin: germline.
Comment: The AXIN2 c.1976G>A (p.R659Q) variant has not been reported in the literature to our knowledge. It was observed in 4/108194 chromosomes of the Non-Finnish European subpopulation in the large and broad cohorts of the Genome Aggregation Database (PMID: 32461654). This variant has been reported in ClinVar (Variation ID 182010). Functional studies have not been performed, and in silico predictions of the variant's effect on protein function are inconclusive. The evidence is insufficient to meet ACMG/AMP criteria for classifying the variant as benign or pathogenic. Thus, the clinical significance of this variant is currently uncertain.